The following is an entry in ClinVar:

NM_139215.3(TAF15):c.876C>T (p.Asp292=)

Gene: TAF15 (TATA-box binding protein associated factor 15; plus strand). Cytogenetic location: 17q12.
Variant type: single nucleotide variant.
Coding change: c.876C>T on transcript NM_139215.3 (MANE Select); coding-DNA position 876, C replaced by T.
Protein change: p.Asp292=; no amino-acid change (aspartic acid 292 retained).
Molecular consequence: synonymous variant.
Genome position (GRCh38, 1-based): chr17:35,838,516, C>T. VCF-style: chr17-35838516-C-T. GRCh37 (hg19) VCF-style: chr17-34165520-C-T.
Other names: c.867C>T, p.Asp289= (NM_003487.4).
Identifiers: ClinVar variation 790721 (VCV000790721.5), dbSNP rs149293057, ClinGen allele CA290037946.
Genomic context (GRCh38, chr17:35,838,516, plus strand): 5'-TCTTTATACAGACAAGGACACAGGAAAGCCAAAGGGGGAGGCAACAGTGTCATTTGATGA[C>T]CCTCCTTCAGCTAAGGCAGCCATTGACTGGTTTGATGGTATGCCTCATTCGTATAGTTTT-3'
Protein context (NP_631961.1, residues 282-302): PKGEATVSFD[Asp292=]PPSAKAAIDW

ClinVar aggregate classification (germline): Benign. Review status: criteria provided, multiple submitters, no conflicts (2 of 4 stars). 3 submissions from 3 submitters: Benign (2). 1 of the submissions does not count toward it. Last evaluated 2021-05-13.

Conditions:
TAF15-related disorder. Also called: TAF15-related condition.

Allele frequency attached by ClinVar (database versions not stated): 1000 Genomes Project 30x 0.00094; ESP Exome Variant Server 0.00115; gnomAD exomes 0.00007 and 0.00023; ExAC 0.00024; 1000 Genomes Project 0.00060; gnomAD 0.00074 and 0.00076; TOPMed 0.00091.
gnomAD v4.1: 209 of 1,614,162 alleles (0.013%); highest among the groups gnomAD compares: African/African-American, 0.24%; 1 homozygote.

Submissions (3):

GeneDx
Classification: Benign. Last evaluated: 2021-05-13. Review status: criteria provided, single submitter. Criteria: GeneDx Variant Classification Process June 2021. Collection method: clinical testing. Allele origin: germline. Affected: yes.

Labcorp Genetics (formerly Invitae), Labcorp
Classification: Benign. Last evaluated: 2018-10-02. Review status: criteria provided, single submitter. Criteria: Invitae Variant Classification Sherloc (09022015). Collection method: clinical testing. Allele origin: germline.

PreventionGenetics, part of Exact Sciences
Classification: Likely benign for TAF15-related condition. Last evaluated: 2024-06-30. Review status: no assertion criteria provided. Collection method: clinical testing. Allele origin: germline. Not counted in ClinVar's aggregate classification.
Comment: This variant is classified as likely benign based on ACMG/AMP sequence variant interpretation guidelines (Richards et al. 2015 PMID: 25741868, with internal and published modifications).